The following is an entry in ClinVar:

ClinVar aggregate classification (germline): Likely pathogenic (1 of 4 stars; one submission).

Conditions:
Hereditary cancer-predisposing syndrome. Also called: Tumor predisposition; Hereditary neoplastic syndrome; Hereditary Cancer Syndrome; Neoplastic Syndromes, Hereditary. Identifiers: Orphanet 140162, MedGen C0027672, MeSH D009386, MONDO:0015356.

Submission:

Ambry Genetics
Classification: Likely pathogenic for Hereditary cancer-predisposing syndrome. Last evaluated: 2025-07-15. Review status: criteria provided, single submitter. Criteria: Ambry Variant Classification Scheme 2023. Collection method: clinical testing. Allele origin: germline.
Comment: The c.2192+1G>T intronic variant results from a G to T substitution one nucleotide after coding exon 14 of the CTNNA1 gene. This nucleotide position is highly conserved in available vertebrate species. In silico splice site analysis predicts that this alteration will weaken the native splice donor site. This variant is considered to be rare based on population cohorts in the Genome Aggregation Database (gnomAD). Alterations that disrupt the canonical splice site are expected to cause aberrant splicing, resulting in an abnormal protein or a transcript that is subject to nonsense-mediated mRNA decay. Based on the majority of available evidence to date, this variant is likely to be pathogenic.

NM_001903.5(CTNNA1):c.2192+1G>T

Gene: CTNNA1 (catenin alpha 1; plus strand). Cytogenetic location: 5q31.2.
Variant type: single nucleotide variant.
Coding change: c.2192+1G>T on transcript NM_001903.5 (MANE Select); the canonical splice donor site of the intron after coding-DNA position 2192, G replaced by T.
Molecular consequence: splice donor variant.
Genome position (GRCh38, 1-based): chr5:138,930,655, G>T. VCF-style: chr5-138930655-G-T. GRCh37 (hg19) VCF-style: chr5-138266344-G-T.
Other names: c.2192+1G>T (NM_001323982.2, NM_001323984.2, NM_001290307.3 and 2 more transcripts); c.2099+1G>T (NM_001323986.2); c.1823+1G>T (NM_001290310.3); c.1883+1G>T (NM_001290309.3); c.1082+1G>T (NM_001323996.1, NM_001323993.1, NM_001324005.1 and 17 more transcripts); c.743+1G>T (NM_001324007.1, NM_001324009.1, NM_001324006.1 and 2 more transcripts); c.839+1G>T (NM_001324013.1, NM_001324012.1); c.989+1G>T (NM_001324011.1).
Identifiers: ClinVar variation 3221898 (VCV003221898.2), dbSNP rs112478925, ClinGen allele CA361133735.